The following is an entry in ClinVar:

ClinVar aggregate classification (germline): Uncertain significance. Review status: criteria provided, multiple submitters, no conflicts (2 of 4 stars). 2 submissions from 2 submitters: Uncertain significance (2). Last evaluated 2025-09-02.

Allele frequency attached by ClinVar (database versions not stated): gnomAD exomes 0.00002; ExAC 0.00005; gnomAD 0.00006 and 0.00007; TOPMed 0.00011; 1000 Genomes Project 30x 0.00016; 1000 Genomes Project 0.00020.
gnomAD v4.1: 41 of 1,614,080 alleles (0.0025%); highest among the groups gnomAD compares: African/African-American, 0.011%; 1 homozygote.

Submissions (2):

Labcorp Genetics (formerly Invitae), Labcorp
Classification: Uncertain significance. Last evaluated: 2025-09-02. Review status: criteria provided, single submitter. Criteria: Invitae Variant Classification Sherloc (09022015). Collection method: clinical testing. Allele origin: germline.
Comment: This sequence change replaces threonine, which is neutral and polar, with methionine, which is neutral and non-polar, at codon 1770 of the ANK3 protein (p.Thr1770Met). This variant is present in population databases (rs536556876, gnomAD 0.02%). This variant has not been reported in the literature in individuals affected with ANK3-related conditions. ClinVar contains an entry for this variant (Variation ID: 1404230). Invitae Evidence Modeling of protein sequence and biophysical properties (such as structural, functional, and spatial information, amino acid conservation, physicochemical variation, residue mobility, and thermodynamic stability) indicates that this missense variant is not expected to disrupt ANK3 protein function with a negative predictive value of 80%. In summary, the available evidence is currently insufficient to determine the role of this variant in disease. Therefore, it has been classified as a Variant of Uncertain Significance.

GeneDx
Classification: Uncertain significance. Last evaluated: 2025-01-25. Review status: criteria provided, single submitter. Criteria: GeneDx Variant Classification Process June 2021. Collection method: clinical testing. Allele origin: germline. Affected: yes.
Comment: In silico analysis indicates that this missense variant does not alter protein structure/function; Has not been previously published as pathogenic or benign to our knowledge

NM_020987.5(ANK3):c.5309C>T (p.Thr1770Met)

Gene: ANK3 (ankyrin 3; minus strand). Cytogenetic location: 10q21.2.
Variant type: single nucleotide variant.
Coding change: c.5309C>T on transcript NM_020987.5 (MANE Select); coding-DNA position 5309, C replaced by T.
Protein change: p.Thr1770Met; replaces threonine 1770 with methionine.
Molecular consequence: missense variant. On other transcripts: intron variant (4).
Genome position (GRCh38, 1-based): chr10:60,075,572, G>A on the plus strand (C>T on the coding strand, the complement: ANK3 is on the minus strand). VCF-style: chr10-60075572-G-A. GRCh37 (hg19) VCF-style: chr10-61835330-G-A.
Other names: c.4387+4965C>T (NM_001204403.2); c.4408+4965C>T (NM_001204404.2); c.4405+4965C>T (NM_001320874.2); c.1807+4965C>T (NM_001149.4); c.5309C>T (NM_020987.3); short protein forms T1770M.
Identifiers: ClinVar variation 1404230 (VCV001404230.8), dbSNP rs536556876, ClinGen allele CA5512034.